The following is an entry in ClinVar:

NM_000552.5(VWF):c.7321G>A (p.Gly2441Ser)

Gene: VWF (von Willebrand factor; minus strand). Cytogenetic location: 12p13.31.
Variant type: single nucleotide variant.
Coding change: c.7321G>A on transcript NM_000552.5 (MANE Select); coding-DNA position 7321, G replaced by A.
Protein change: p.Gly2441Ser; replaces glycine 2441 with serine.
Molecular consequence: missense variant.
Genome position (GRCh38, 1-based): chr12:5,976,227, C>T on the plus strand (G>A on the coding strand, the complement: VWF is on the minus strand). VCF-style: chr12-5976227-C-T. GRCh37 (hg19) VCF-style: chr12-6085393-C-T.
Other names: c.7321G>A (NM_000552.4); short protein forms G2441S.
Identifiers: ClinVar variation 3189458 (VCV003189458.3), dbSNP rs62643641, ClinGen allele CA6401704.
Genomic context (GRCh38, chr12:5,976,227, plus strand): 5'-TCACGGCATCCTCCATGTCGGTGCAGGTGCACACATCGCAGCCCTCCTCCCAGAACTGGC[C>T]CACAGGGTAGATGGTGCTTCGGTGGACACACACCTGTAGACATAAGTTTTCGTGAGTGAA-3'
Protein context (NP_000543.3, residues 2431-2451): CVHRSTIYPV[Gly2441Ser]QFWEEGCDVC

ClinVar aggregate classification (germline): Uncertain significance. Review status: criteria provided, multiple submitters, no conflicts (2 of 4 stars). 3 submissions from 3 submitters: Uncertain significance (3). Last evaluated 2026-09-03.

Conditions:
VWF-related disorder. Also called: VWF-related condition; VWF-related disorders.
Inborn genetic diseases. Identifiers: MedGen C0950123, MeSH D030342.

Allele frequency attached by ClinVar (database versions not stated): gnomAD exomes below 0.00001; ExAC 0.00001; gnomAD 0.00001.
gnomAD v4.1: 7 of 1,613,970 alleles (0.00043%); highest among the groups gnomAD compares: Non-Finnish European, 0.00059%; no homozygotes.

Submissions (3):

PreventionGenetics, part of Exact Sciences
Classification: Uncertain significance for VWF-related condition. Last evaluated: 2026-09-03. Review status: criteria provided, single submitter. Criteria: ACMG Guidelines, 2015. Collection method: clinical testing. Allele origin: germline.
Comment: The VWF c.7321G>A variant is predicted to result in the amino acid substitution p.Gly2441Ser. To our knowledge, this variant has not been reported in the literature. This variant is reported in 0.0018% of alleles in individuals of European (Non-Finnish) descent in gnomAD. At this time, the clinical significance of this variant is uncertain due to the absence of conclusive functional and genetic evidence.

Quest Diagnostics Nichols Institute San Juan Capistrano
Classification: Uncertain significance. Last evaluated: 2024-04-05. Review status: criteria provided, single submitter. Criteria: Quest Diagnostics criteria. Collection method: clinical testing. Allele origin: unknown.
Comment: The VWF c.7321G>A (p.Gly2441Ser) variant has not been reported in individuals with VWF-related conditions in the published literature. The frequency of this variant in the general population, 0.000008 (2/251414 chromosomes (Genome Aggregation Database)), is uninformative in the assessment of its pathogenicity. Analysis of this variant using bioinformatics tools for the prediction of the effect of amino acid changes on protein structure and function yielded predictions that this variant is damaging. Based on the available information, we are unable to determine the clinical significance of this variant.

Ambry Genetics
Classification: Uncertain significance for Inborn genetic diseases. Last evaluated: 2024-01-04. Review status: criteria provided, single submitter. Criteria: Ambry Variant Classification Scheme 2023. Collection method: clinical testing. Allele origin: germline.